The following is an entry in ClinVar:

ClinVar aggregate classification (germline): Uncertain significance. Review status: criteria provided, multiple submitters, no conflicts (2 of 4 stars). 2 submissions from 2 submitters: Uncertain significance (2). Last evaluated 2023-02-09.

Conditions:
Autosomal recessive limb-girdle muscular dystrophy type 2J (LGMDR10). Also called: Limb-girdle muscular dystrophy, type 2J; MUSCULAR DYSTROPHY, LIMB-GIRDLE, AUTOSOMAL RECESSIVE 10. Identifiers: Orphanet 140922, MedGen C1837342, MONDO:0012127, OMIM 608807.
Dilated cardiomyopathy 1G (CMD1G). Identifiers: Orphanet 154, MedGen C1858763, MONDO:0011400, OMIM 604145.

Submissions (2):

GeneDx
Classification: Uncertain significance. Last evaluated: 2023-02-09. Review status: criteria provided, single submitter. Criteria: GeneDx Variant Classification Process June 2021. Collection method: clinical testing. Allele origin: germline. Affected: yes.
Comment: Not observed at significant frequency in large population cohorts (gnomAD); In silico analysis supports a deleterious effect on splicing; Has not been previously published as pathogenic or benign to our knowledge

Labcorp Genetics (formerly Invitae), Labcorp
Classification: Uncertain significance for Dilated cardiomyopathy 1G; Autosomal recessive limb-girdle muscular dystrophy type 2J. Last evaluated: 2017-11-21. Review status: criteria provided, single submitter. Criteria: Invitae Variant Classification Sherloc (09022015). Collection method: clinical testing. Allele origin: germline.

NM_001267550.2(TTN):c.33339A>G (p.Lys11113=)

Gene: TTN (titin; minus strand). Cytogenetic location: 2q31.2.
Variant type: single nucleotide variant.
Coding change: c.33339A>G on transcript NM_001267550.2 (MANE Select); coding-DNA position 33339, A replaced by G.
Protein change: p.Lys11113=; no amino-acid change (lysine 11113 retained).
Molecular consequence: synonymous variant. On other transcripts: intron variant (3).
Genome position (GRCh38, 1-based): chr2:178,681,080, T>C on the plus strand (A>G on the coding strand, the complement: TTN is on the minus strand). VCF-style: chr2-178681080-T-C. GRCh37 (hg19) VCF-style: chr2-179545807-T-C.
Other names: c.32388A>G, p.Lys10796= (NM_001256850.1); c.29607A>G, p.Lys9869= (NM_133378.4); c.13283-38763A>G (NM_003319.4); c.13859-38763A>G (NM_133437.4); c.13658-38763A>G (NM_133432.3); c.33339A>G (NM_001267550.1).
Identifiers: ClinVar variation 535628 (VCV000535628.4), dbSNP rs926306750, ClinGen allele CA60983788.